The following is an entry in ClinVar:

NM_007294.4(BRCA1):c.4165_4166del (p.Gln1388_Ser1389insTer)

Gene: BRCA1 (BRCA1 DNA repair associated; minus strand). Cytogenetic location: 17q21.31.
Variant type: Microsatellite.
Coding change: c.4165_4166del on transcript NM_007294.4 (MANE Select); coding-DNA positions 4165 to 4166, 2 bases deleted (AG; older notation c.4165_4166delAG).
Protein change: p.Gln1388_Ser1389insTer.
Molecular consequence: nonsense. On other transcripts: frameshift variant (366), non-coding transcript variant (1).
Genome position (GRCh38, 1-based): chr17:43,090,963-43,090,964, CT deleted on the plus strand (AG on the coding strand, the reverse complement: BRCA1 is on the minus strand); deleting any 2 consecutive bases within chr17:43,090,963-43,090,966 gives the same sequence; the c. name uses the placement nearest the transcript's 3' end. VCF-style (leftmost placement, unchanged base first): chr17-43090962-ACT-A. GRCh37 (hg19) VCF-style: chr17-41242979-ACT-A.
Other names: 4284delAG; c.4165_4166delAG (NM_007300.3, NM_007294.3); c.3950_3951AG[1], p.Ser1318Terfs (NM_001407571.1, NM_001407853.1, NM_001407894.1 and 9 more transcripts); c.4163_4164AG[1], p.Ser1389Terfs (NM_001407581.1, NM_001407582.1, NM_001407583.1 and 29 more transcripts); c.4160_4161AG[1], p.Ser1388Terfs (NM_001407587.1, NM_001407590.1, NM_001407591.1 and 22 more transcripts); c.4154_4155AG[1], p.Ser1386Terfs (NM_001407646.1, NM_001407647.1); c.4040_4041AG[1], p.Ser1348Terfs (NM_001407648.1, NM_001407664.1, NM_001407665.1 and 19 more transcripts); c.4037_4038AG[1], p.Ser1347Terfs (NM_001407649.1, NM_001407670.1, NM_001407671.1 and 11 more transcripts); and 46 more.
Identifiers: ClinVar variation 55117 (VCV000055117.41), dbSNP rs80357572, ClinGen allele CA002664.
Genomic context (GRCh38, chr17:43,090,962, plus strand): 5'-ACACCACACACACGCATGTGCACACACACACACGCTTTTTACCTGAGTGGTTAAAATGTC[ACT>A]CTGAGAGGATAGCCCTGAGCAGTCTTCAGAGACGCTTGTTTCACTCTCACACCCAGATGC-3'

ClinVar aggregate classification (germline): Pathogenic. Review status: reviewed by expert panel (3 of 4 stars). 25 submissions from 25 submitters: Pathogenic (1). 24 of the submissions do not count toward it. Last evaluated 2016-09-08.

Conditions:
BRCA1-related disorder. Also called: BRCA1-related condition.
Breast and/or ovarian cancer. Identifiers: MedGen CN221562.
Breast-ovarian cancer, familial, susceptibility to, 1 (BROVCA1). Also called: BRCA1 Hereditary Breast and Ovarian Cancer; OVARIAN CANCER, SUSCEPTIBILITY TO. Identifiers: Orphanet 145, MedGen C2676676, MONDO:0011450, OMIM 604370. Disease mechanism: loss of function.
Familial cancer of breast. Also called: hereditary breast carcinoma; BREAST CANCER, FAMILIAL; Hereditary breast cancer. Identifiers: Orphanet 227535, MedGen C0346153, MONDO:0016419, OMIM 114480. Disease mechanism: loss of function.
Fanconi anemia, complementation group S (FANCS). Identifiers: MedGen C4554406, MONDO:0054748, OMIM 617883.
Pancreatic cancer, susceptibility to, 4. Identifiers: Orphanet 1333, MedGen C3280442, MONDO:0013685, OMIM 614320.
Hereditary cancer-predisposing syndrome. Also called: Hereditary Cancer Syndrome; Hereditary neoplastic syndrome; Neoplastic Syndromes, Hereditary; Tumor predisposition. Identifiers: Orphanet 140162, MedGen C0027672, MeSH D009386, MONDO:0015356.
Hereditary breast ovarian cancer syndrome. Also called: BRCA1- and BRCA2-Associated Hereditary Breast and Ovarian Cancer; Hereditary breast and ovarian cancer syndrome; Hereditary breast and ovarian cancer syndrome (HBOC); Breast and ovarian cancer; Hereditary breast and/or ovarian cancer syndrome; Hereditary breast and ovarian cancer. Identifiers: Orphanet 145, MedGen C0677776, MeSH D061325, MONDO:0003582. Disease mechanism: loss of function.

Submissions 1 to 8 of 25:

Evidence-based Network for the Interpretation of Germline Mutant Alleles (ENIGMA)
Classification: Pathogenic for Breast-ovarian cancer, familial, susceptibility to, 1. Last evaluated: 2016-09-08. Review status: reviewed by expert panel. Criteria: ENIGMA BRCA1/2 Classification Criteria (2015). Collection method: curation. Allele origin: germline.
Comment: Variant allele predicted to encode a truncated non-functional protein.

Dasa
Classification: Pathogenic for Breast-ovarian cancer, familial, susceptibility to, 1. Last evaluated: 2026-04-28. Review status: criteria provided, single submitter. Criteria: DASA Assertion Criteria. Collection method: clinical testing. Allele origin: germline. Not counted in ClinVar's aggregate classification.
Comment: NM_007294.4(BRCA1):c.4165_4166del (p.Ser1389Ter) is a nonsense variant in BRCA1 predicted to introduce a premature termination codon and is predicted to result in an absent or altered protein product. Loss of function is an established disease mechanism for BRCA1 (PMID: 32375709; PMID: 21989022; PMID: 11802209). The affected residue or protein region has prior evidence supporting clinical relevance. This variant has been reported in individuals with Breast-ovarian cancer, familial, susceptibility to, 1. Also, this variant is rare in population databases. Based on the currently available evidence, this variant is classified as pathogenic.

PreventionGenetics, part of Exact Sciences
Classification: Pathogenic for BRCA1-related condition. Last evaluated: 2026-03-07. Review status: criteria provided, single submitter. Criteria: ACMG Guidelines, 2015. Collection method: clinical testing. Allele origin: germline. Not counted in ClinVar's aggregate classification.
Comment: The BRCA1 c.4165_4166delAG variant is predicted to result in premature protein termination (p.Ser1389*). This variant, also known as c.4282delAG, was reported in an individual with breast cancer and/or ovarian cancer (Yao et al. 2022. PubMed ID: 35864222; de Oliveira et al. 2022. PubMed ID: 35534704; Dong et al. 1998. PubMed ID: 9760198; Szabo et al. 2000. PubMed ID: 10923033; van der Hout et al. 2006. PubMed ID: 16683254). This variant is reported in 0.00089% of alleles in individuals of European (Non-Finnish) descent in gnomAD and is classified as pathogenic in ClinVar (Variation ID: 55117). Loss-of-function variants in BRCA1 are known to be pathogenic. This variant is interpreted as pathogenic.

GeneDx
Classification: Pathogenic. Last evaluated: 2025-09-05. Review status: criteria provided, single submitter. Criteria: GeneDx Variant Classification Process June 2021. Collection method: clinical testing. Allele origin: germline. Affected: yes. Not counted in ClinVar's aggregate classification.
Comment: Nonsense variant predicted to result in protein truncation or nonsense mediated decay in a gene for which loss of function is a known mechanism of disease; Observed in individuals with a personal or family history consistent with pathogenic variants in this gene (PMID: 9760198, 12181777, 16168118, 26911350, 29470806); Not observed at significant frequency in large population cohorts (gnomAD); Truncating variants in this gene are considered pathogenic by a well-established clinical consortium and/or database; Also known as 4284_4285delAG or 4284delAG; This variant is associated with the following publications: (PMID: 34326862, 35534704, 33309985, 35957908, 35980532, 35864222, 8900426, 12181777, 24728189, 26187060, 29470806, 29922827, 34697415, 27742176, 18489799, 27741520, 28664449, 26911350, 16168118, 28324225, 27974384, 26306726, 29907814, 30702160, 30720243, 30014164, 28918466, 11597388, 31825140, 30787465, 35273153, 36003761, 38219492, 37851290, 38960732, 38641594, 9760198, 27553368)

Labcorp Genetics (formerly Invitae), Labcorp
Classification: Pathogenic for Hereditary breast ovarian cancer syndrome. Last evaluated: 2025-05-05. Review status: criteria provided, single submitter. Criteria: Invitae Variant Classification Sherloc (09022015). Collection method: clinical testing. Allele origin: germline. Not counted in ClinVar's aggregate classification.
Comment: This sequence change creates a premature translational stop signal (p.Ser1389*) in the BRCA1 gene. It is expected to result in an absent or disrupted protein product. Loss-of-function variants in BRCA1 are known to be pathogenic (PMID: 20104584). This variant is present in population databases (rs80357572, gnomAD 0.0009%). This premature translational stop signal has been observed in individual(s) with breast and ovarian cancer (PMID: 8900426, 9760198, 10923033, 16683254). This variant is also known as c.4282delAG. ClinVar contains an entry for this variant (Variation ID: 55117). For these reasons, this variant has been classified as Pathogenic.

Color Diagnostics, LLC DBA Color Health
Classification: Pathogenic for Hereditary cancer-predisposing syndrome. Last evaluated: 2025-03-26. Review status: criteria provided, single submitter. Criteria: ACMG Guidelines, 2015. Collection method: clinical testing. Allele origin: germline. Not counted in ClinVar's aggregate classification.
Comment: This variant deletes 2 nucleotides in exon 11 of the BRCA1 gene, creating a frameshift and premature translation stop signal. This variant is expected to result in an absent or non-functional protein product. This variant has been reported in individuals and families affected with breast and ovarian cancer (PMID: 8900426, 9760198, 10923033, 16683254), and it also has been detected in a breast cancer case-control meta-analysis in 1/60466 cases and 1/53461 unaffected individuals (PMID: 33471991; Leiden Open Variation Database DB-ID BRCA1_000297). A multifactorial analysis has reported a likelihood ratio for pathogenicity based on personal and family history of 3.28 from log(LR)=0.5159 for 2 carriers (PMID: 31853058). This variant has been identified in 1/247192 chromosomes in the general population by the Genome Aggregation Database (gnomAD). Loss of BRCA1 function is a known mechanism of disease. Based on the available evidence, this variant is classified as Pathogenic.

Fulgent Genetics
Classification: Pathogenic for Breast-ovarian cancer, familial, susceptibility to, 1; Pancreatic cancer, susceptibility to, 4; Fanconi anemia, complementation group S. Last evaluated: 2024-05-17. Review status: criteria provided, single submitter. Criteria: ACMG Guidelines, 2015. Collection method: clinical testing. Allele origin: germline. Not counted in ClinVar's aggregate classification.

Women's Health and Genetics/Laboratory Corporation of America, LabCorp
Classification: Pathogenic for Hereditary breast ovarian cancer syndrome. Last evaluated: 2024-01-16. Review status: criteria provided, single submitter. Criteria: LabCorp Variant Classification Summary - May 2015. Collection method: clinical testing. Allele origin: germline. Not counted in ClinVar's aggregate classification.
Comment: Variant summary: BRCA1 c.4165_4166delAG (p.Ser1389X) results in a premature termination codon, predicted to cause a truncation of the encoded protein or absence of the protein due to nonsense mediated decay, which are commonly known mechanisms for disease. The variant allele was found at a frequency of 4e-06 in 247192 control chromosomes. c.4165_4166delAG has been reported in the literature in individuals affected with Hereditary Breast And Ovarian Cancer Syndrome (e.g. Gifoni_2022). To our knowledge, no experimental evidence demonstrating an impact on protein function has been reported. The following publication has been ascertained in the context of this evaluation (PMID: 35957908). ClinVar contains an entry for this variant (Variation ID: 55117). Based on the evidence outlined above, the variant was classified as pathogenic.